The following is an entry in ClinVar:

NM_001853.4(COL9A3):c.479G>A (p.Gly160Glu)

Gene: COL9A3 (collagen type IX alpha 3 chain; plus strand). Cytogenetic location: 20q13.33.
Variant type: single nucleotide variant.
Coding change: c.479G>A on transcript NM_001853.4 (MANE Select); coding-DNA position 479, G replaced by A.
Protein change: p.Gly160Glu; replaces glycine 160 with glutamic acid.
Molecular consequence: missense variant.
Genome position (GRCh38, 1-based): chr20:62,822,592, G>A. VCF-style: chr20-62822592-G-A. GRCh37 (hg19) VCF-style: chr20-61453944-G-A.
Other names: short protein forms G160E.
Identifiers: ClinVar variation 1488941 (VCV001488941.8), dbSNP rs780230122, ClinGen allele CA9949306.

ClinVar aggregate classification (germline): Uncertain significance (1 of 4 stars; one submission).

Allele frequency attached by ClinVar (database versions not stated): ExAC 0.00001; gnomAD 0.00001; gnomAD exomes 0.00001.

Submission:

Labcorp Genetics (formerly Invitae), Labcorp
Classification: Uncertain significance. Last evaluated: 2025-08-17. Review status: criteria provided, single submitter. Criteria: Invitae Variant Classification Sherloc (09022015). Collection method: clinical testing. Allele origin: germline.
Comment: This sequence change replaces glycine, which is neutral and non-polar, with glutamic acid, which is acidic and polar, at codon 160 of the COL9A3 protein (p.Gly160Glu). This variant is present in population databases (rs780230122, gnomAD 0.01%). This variant has not been reported in the literature in individuals affected with COL9A3-related conditions. ClinVar contains an entry for this variant (Variation ID: 1488941). Experimental studies and prediction algorithms are not available or were not evaluated, and the functional significance of this variant is currently unknown. In summary, the available evidence is currently insufficient to determine the role of this variant in disease. Therefore, it has been classified as a Variant of Uncertain Significance.